The following is an entry in ClinVar:

ClinVar aggregate classification (germline): Likely benign (1 of 4 stars; one submission).

Submission:

GeneDx
Classification: Likely benign. Last evaluated: 2018-04-12. Review status: criteria provided, single submitter. Criteria: GeneDx Variant Classification (06012015). Collection method: clinical testing. Allele origin: germline. Affected: yes.
Comment: This variant is considered likely benign or benign based on one or more of the following criteria: it is a conservative change, it occurs at a poorly conserved position in the protein, it is predicted to be benign by multiple in silico algorithms, and/or has population frequency not consistent with disease.

NM_001164508.2(NEB):c.15413T>C (p.Val5138Ala)

Gene: NEB (nebulin; minus strand). Cytogenetic location: 2q23.3.
Variant type: single nucleotide variant.
Coding change: c.15413T>C on transcript NM_001164508.2 (MANE Select); coding-DNA position 15413, T replaced by C.
Protein change: p.Val5138Ala; replaces valine 5138 with alanine.
Molecular consequence: missense variant. On other transcripts: intron variant (1).
Genome position (GRCh38, 1-based): chr2:151,587,411, A>G on the plus strand (T>C on the coding strand, the complement: NEB is on the minus strand). VCF-style: chr2-151587411-A-G. GRCh37 (hg19) VCF-style: chr2-152443925-A-G.
Other names: c.15413T>C, p.Val5138Ala (NM_001164507.2, NM_001271208.2); c.11602-11057T>C (NM_004543.5); short protein forms V5138A.
Identifiers: ClinVar variation 681816 (VCV000681816.1), dbSNP rs1578581705, ClinGen allele CA348759024.